The following is an entry in ClinVar:

ClinVar aggregate classification (germline): Uncertain significance (1 of 4 stars; one submission).

Conditions:
Cardiovascular phenotype. Identifiers: MedGen CN230736.

Submission:

Ambry Genetics
Classification: Uncertain significance for Cardiovascular phenotype. Last evaluated: 2026-07-02. Review status: criteria provided, single submitter. Criteria: Ambry Variant Classification Scheme 2023. Collection method: clinical testing. Allele origin: germline.
Comment: The p.D4501V variant (also known as c.13502A>T), located in coding exon 29 of the APOB gene, results from an A to T substitution at nucleotide position 13502. The aspartic acid at codon 4501 is replaced by valine, an amino acid with highly dissimilar properties. This amino acid position is conserved. In addition, this alteration is predicted to be tolerated by in silico analysis. Based on the available evidence, the clinical significance of this variant remains unclear.

NM_000384.3(APOB):c.13502A>T (p.Asp4501Val)

Gene: APOB (apolipoprotein B; minus strand). Cytogenetic location: 2p24.1.
Variant type: single nucleotide variant.
Coding change: c.13502A>T on transcript NM_000384.3 (MANE Select); coding-DNA position 13502, A replaced by T.
Protein change: p.Asp4501Val; replaces aspartic acid 4501 with valine.
Molecular consequence: missense variant.
Genome position (GRCh38, 1-based): chr2:21,001,920, T>A on the plus strand (A>T on the coding strand, the complement: APOB is on the minus strand). VCF-style: chr2-21001920-T-A. GRCh37 (hg19) VCF-style: chr2-21224792-T-A.
Other names: short protein forms D4501V.
Identifiers: ClinVar variation 5027430 (VCV005027430.1).